The following is an entry in ClinVar:

NM_000092.5(COL4A4):c.4264G>A (p.Val1422Ile)

Gene: COL4A4 (collagen type IV alpha 4 chain; minus strand). Cytogenetic location: 2q36.3.
Variant type: single nucleotide variant.
Coding change: c.4264G>A on transcript NM_000092.5 (MANE Select); coding-DNA position 4264, G replaced by A.
Protein change: p.Val1422Ile; replaces valine 1422 with isoleucine.
Molecular consequence: missense variant.
Genome position (GRCh38, 1-based): chr2:227,012,250, C>T on the plus strand (G>A on the coding strand, the complement: COL4A4 is on the minus strand). VCF-style: chr2-227012250-C-T. GRCh37 (hg19) VCF-style: chr2-227876966-C-T.
Other names: short protein forms V1422I.
Identifiers: ClinVar variation 1108266 (VCV001108266.17), dbSNP rs368105222, ClinGen allele CA2144222.

ClinVar aggregate classification (germline): Conflicting classifications of pathogenicity. Review status: criteria provided, conflicting classifications (1 of 4 stars). 6 submissions from 6 submitters: Uncertain significance (4); Likely benign (2). Last evaluated 2026-01-28.

Conditions:
Inborn genetic diseases. Identifiers: MedGen C0950123, MeSH D030342.
Autosomal recessive Alport syndrome (ATS2). Also called: COL4A4 Alport Syndrome and Thin Basement Membrane Nephropathy; ALPORT SYNDROME 2, AUTOSOMAL RECESSIVE; Alport syndrome type 2; COL4A3-Related Nephropathy. Identifiers: Orphanet 63, Orphanet 88919, MedGen C4746745, MONDO:0008762, OMIM 203780.

Allele frequency attached by ClinVar (database versions not stated): gnomAD 0.00002 and 0.00005; TOPMed 0.00003; gnomAD exomes 0.00005 and 0.00006; ESP Exome Variant Server 0.00008; ExAC 0.00009; 1000 Genomes Project 30x 0.00062; 1000 Genomes Project 0.00080.
gnomAD v4.1: 93 of 1,614,106 alleles (0.0058%); highest among the groups gnomAD compares: South Asian, 0.086%; no homozygotes.

Submissions (6):

Labcorp Genetics (formerly Invitae), Labcorp
Classification: Likely benign. Last evaluated: 2026-01-28. Review status: criteria provided, single submitter. Criteria: Invitae Variant Classification Sherloc (09022015). Collection method: clinical testing. Allele origin: germline.

Ambry Genetics
Classification: Likely benign for Inborn genetic diseases. Last evaluated: 2025-08-28. Review status: criteria provided, single submitter. Criteria: Ambry Variant Classification Scheme 2023. Collection method: clinical testing. Allele origin: germline.

Women's Health and Genetics/Laboratory Corporation of America, LabCorp
Classification: Uncertain significance. Last evaluated: 2025-01-23. Review status: criteria provided, single submitter. Criteria: LabCorp Variant Classification Summary - May 2015. Collection method: clinical testing. Allele origin: germline.
Comment: Variant summary: COL4A4 c.4264G>A (p.Val1422Ile) results in a conservative amino acid change in the encoded protein sequence. Five of five in-silico tools predict a benign effect of the variant on protein function. The variant allele was found at a frequency of 5.2e-05 in 249456 control chromosomes, predominantly at a frequency of 0.00042 within the South Asian subpopulation in the gnomAD database. This frequency is not significantly higher than estimated for a pathogenic variant in COL4A4 causing Alport Syndrome, Autosomal Recessive (5.2e-05 vs 0.0011), allowing no conclusion about variant significance. To our knowledge, no occurrence of c.4264G>A in individuals affected with Alport Syndrome, Autosomal Recessive and no experimental evidence demonstrating its impact on protein function have been reported. ClinVar contains an entry for this variant (Variation ID: 1108266). Based on the evidence outlined above, the variant was classified as uncertain significance.

Genetics laboratory, Institute of Kidney Diseases & Research Centre Dr. H.L. Trivedi Institute Of Transplantation Sciences
Classification: Uncertain significance for Autosomal recessive Alport syndrome. Last evaluated: 2024-11-01. Review status: criteria provided, single submitter. Criteria: ACMG Guidelines, 2015. Collection method: clinical testing. Allele origin: germline. Inheritance: Autosomal recessive inheritance. Affected: yes. Observed: 1 variant allele, 1 heterozygote.
Comment: The COL4A4 variant c.4264G>A (p.Val1422Ile) is currently classified as a Variant of Uncertain Significance. Although the variant is rare in population databases, the amino acid change is conservative and there is insufficient evidence to support a disease-causing effect.

Blueprint Genetics
Classification: Uncertain significance. Last evaluated: 2024-10-04. Review status: criteria provided, single submitter. Criteria: ACMG Guidelines, 2015. Collection method: clinical testing. Allele origin: germline.

GeneDx
Classification: Uncertain significance. Last evaluated: 2024-01-25. Review status: criteria provided, single submitter. Criteria: GeneDx Variant Classification Process June 2021. Collection method: clinical testing. Allele origin: germline. Affected: yes.
Comment: In silico analysis supports that this missense variant does not alter protein structure/function; Occurs in the triple helical domain at the X position in the canonical Gly-X-Y repeat; although this variant may have an effect on normal protein folding and function, missense substitution at the X position is not a common mechanism of disease; Has not been previously published as pathogenic or benign to our knowledge